The following is an entry in ClinVar:

ClinVar aggregate classification (germline): Pathogenic (1 of 4 stars; one submission).

Conditions:
Transcobalamin II deficiency (TCN2D). Also called: TC II DEFICIENCY; TCN2 DEFICIENCY; Transcolabamin II deficiency. Identifiers: Orphanet 859, MedGen C0342701, MONDO:0010149, OMIM 275350.

Submission:

Labcorp Genetics (formerly Invitae), Labcorp
Classification: Pathogenic for Transcobalamin II deficiency. Last evaluated: 2025-09-23. Review status: criteria provided, single submitter. Criteria: Invitae Variant Classification Sherloc (09022015). Collection method: clinical testing. Allele origin: germline.
Comment: This sequence change creates a premature translational stop signal (p.Glu91*) in the TCN2 gene. It is expected to result in an absent or disrupted protein product. Loss-of-function variants in TCN2 are known to be pathogenic (PMID: 7980584, 20352340). This variant is not present in population databases (gnomAD no frequency). This variant has not been reported in the literature in individuals affected with TCN2-related conditions. ClinVar contains an entry for this variant (Variation ID: 3617092). Algorithms developed to predict the effect of sequence changes on RNA splicing suggest that this variant may disrupt the consensus splice site. For these reasons, this variant has been classified as Pathogenic.

Literature cited by the submitters: PubMed 7980584; PubMed 20352340.

NM_000355.4(TCN2):c.271G>T (p.Glu91Ter)

Gene: TCN2 (transcobalamin 2; plus strand). Cytogenetic location: 22q12.2.
Variant type: single nucleotide variant.
Coding change: c.271G>T on transcript NM_000355.4 (MANE Select); coding-DNA position 271, G replaced by T.
Protein change: p.Glu91Ter; replaces glutamic acid 91 with a stop codon.
Molecular consequence: nonsense.
Genome position (GRCh38, 1-based): chr22:30,612,886, G>T. VCF-style: chr22-30612886-G-T. GRCh37 (hg19) VCF-style: chr22-31008873-G-T.
Other names: c.271G>T, p.Glu91Ter (NM_001184726.2); short protein forms E91*.
Identifiers: ClinVar variation 3617092 (VCV003617092.3).